The following is an entry in ClinVar:

NM_007294.4(BRCA1):c.292G>A (p.Gly98Ser)

Gene: BRCA1 (BRCA1 DNA repair associated; minus strand). Cytogenetic location: 17q21.31.
Variant type: single nucleotide variant.
Coding change: c.292G>A on transcript NM_007294.4 (MANE Select); coding-DNA position 292, G replaced by A.
Protein change: p.Gly98Ser; replaces glycine 98 with serine.
Molecular consequence: missense variant. On other transcripts: non-coding transcript variant (1).
Genome position (GRCh38, 1-based): chr17:43,104,877, C>T on the plus strand (G>A on the coding strand, the complement: BRCA1 is on the minus strand). VCF-style: chr17-43104877-C-T. GRCh37 (hg19) VCF-style: chr17-41256894-C-T.
Other names: c.82G>A, p.Gly28Ser (NM_001407571.1, NM_001407853.1, NM_001407879.1 and 58 more transcripts); c.292G>A, p.Gly98Ser (NM_001407581.1, NM_001407582.1, NM_001407583.1 and 165 more transcripts); c.292G>A, p.Asp98Asn (NM_001407646.1, NM_001407647.1, NM_001408408.1); c.214G>A, p.Gly72Ser (NM_001407653.1, NM_001407654.1, NM_001407655.1 and 21 more transcripts); c.151G>A, p.Gly51Ser (NM_001407692.1, NM_001407694.1, NM_001407695.1 and 99 more transcripts); c.-90G>A (NM_001407959.1, NM_001407960.1, NM_001407962.1 and 4 more transcripts); c.160G>A, p.Gly54Ser (NM_001408451.1); short protein forms G98S, G51S, G54S, D98N, G28S, G72S.
Identifiers: ClinVar variation 865639 (VCV000865639.6), dbSNP rs80357409, ClinGen allele CA10601572.

ClinVar aggregate classification (germline): Conflicting classifications of pathogenicity. Review status: criteria provided, conflicting classifications (1 of 4 stars). 2 submissions from 2 submitters: Uncertain significance (1); Likely benign (1). Last evaluated 2024-11-19.

Conditions:
Hereditary breast ovarian cancer syndrome. Also called: Hereditary breast and/or ovarian cancer syndrome; BRCA1- and BRCA2-Associated Hereditary Breast and Ovarian Cancer; Hereditary breast and ovarian cancer syndrome; Hereditary breast and ovarian cancer; Hereditary breast and ovarian cancer syndrome (HBOC); Breast and ovarian cancer. Identifiers: Orphanet 145, MedGen C0677776, MeSH D061325, MONDO:0003582. Disease mechanism: loss of function.
Hereditary cancer-predisposing syndrome. Also called: Tumor predisposition; Hereditary Cancer Syndrome; Hereditary neoplastic syndrome; Neoplastic Syndromes, Hereditary. Identifiers: Orphanet 140162, MedGen C0027672, MeSH D009386, MONDO:0015356.

Submissions (3):

Labcorp Genetics (formerly Invitae), Labcorp
Classification: Uncertain significance for Hereditary breast ovarian cancer syndrome. Last evaluated: 2024-11-19. Review status: criteria provided, single submitter. Criteria: Invitae Variant Classification Sherloc (09022015). Collection method: clinical testing. Allele origin: germline.
Comment: This sequence change replaces glycine, which is neutral and non-polar, with serine, which is neutral and polar, at codon 98 of the BRCA1 protein (p.Gly98Ser). This variant is not present in population databases (gnomAD no frequency). This variant has not been reported in the literature in individuals affected with BRCA1-related conditions. ClinVar contains an entry for this variant (Variation ID: 865639). Invitae Evidence Modeling incorporating data from in vitro experimental studies (PMID: 30209399) indicates that this missense variant is not expected to disrupt BRCA1 function with a negative predictive value of 95%. In summary, the available evidence is currently insufficient to determine the role of this variant in disease. Therefore, it has been classified as a Variant of Uncertain Significance.

Ambry Genetics
Classification: Likely benign for Hereditary cancer-predisposing syndrome. Last evaluated: 2024-05-03. Review status: criteria provided, single submitter. Criteria: Ambry Variant Classification Scheme 2023. Collection method: clinical testing. Allele origin: germline.

Brotman Baty Institute, University of Washington
No classification provided (evidence only). Condition: Breast-ovarian cancer, familial 1. Review status: no classification provided. Collection method: in vitro. Allele origin: not applicable. Functional consequence: functionally_normal. Not counted in ClinVar's aggregate classification.
ClinVar note: "not provided" was previously submitted as the classification for the variant. However, the classification appeared to be based only on an observation of functional data so it was converted to no classification on 2025-07-30.

Literature cited by the submitters: PubMed 30209399 (cited by Labcorp Genetics (formerly Invitae), Labcorp and Ambry Genetics).